The following is an entry in ClinVar:

ClinVar aggregate classification (germline): Pathogenic/Likely pathogenic. Review status: criteria provided, multiple submitters, no conflicts (2 of 4 stars). 3 submissions from 3 submitters: Pathogenic (1); Likely pathogenic (1). 1 of the submissions does not count toward it. Last evaluated 2025-07-07.

Conditions:
Wilson disease (WND). Also called: Wilson's disease. Identifiers: Orphanet 905, MedGen C0019202, MONDO:0010200, OMIM 277900. Disease mechanism: loss of function.

Allele frequency attached by ClinVar (database versions not stated): gnomAD exomes below 0.00001 and 0.00001.
gnomAD v4.1: 2 of 1,614,072 alleles (0.00012%); highest among the groups gnomAD compares: Admixed American, 0.0017%; no homozygotes.

Submissions (3):

Natera, Inc.
Classification: Likely pathogenic for Wilson disease. Last evaluated: 2025-07-07. Review status: criteria provided, single submitter. Criteria: Natera Variant Classification Schema (03/2026). Collection method: clinical testing. Allele origin: germline.
Comment: The c.3436G>A variant in ATP7B is a missense variant predicted to cause substitution of valine to methionine at amino acid 1146. This variant is rare in the general population with a frequency below the threshold expected for the associated phenotype(s). This variant has been observed in one or more individuals affected with the associated recessive disease, as either homozygous or compound heterozygous with a second variant (PMID: 12202071, 39113473). Additionally, this variant has been observed to segregate in affected family members (PMID: 12202071). Computational prediction algorithms indicate this variant is likely to affect gene or protein function. Given the available evidence, this variant is classified as Likely Pathogenic.

Labcorp Genetics (formerly Invitae), Labcorp
Classification: Pathogenic for Wilson disease. Last evaluated: 2023-08-30. Review status: criteria provided, single submitter. Criteria: Invitae Variant Classification Sherloc (09022015). Collection method: clinical testing. Allele origin: germline.
Comment: This sequence change replaces valine, which is neutral and non-polar, with methionine, which is neutral and non-polar, at codon 1146 of the ATP7B protein (p.Val1146Met). This variant is present in population databases (no rsID available, gnomAD 0.003%). For these reasons, this variant has been classified as Pathogenic. This variant disrupts the p.Val1146 amino acid residue in ATP7B. Other variant(s) that disrupt this residue have been determined to be pathogenic (Invitae). This suggests that this residue is clinically significant, and that variants that disrupt this residue are likely to be disease-causing. Advanced modeling of protein sequence and biophysical properties (such as structural, functional, and spatial information, amino acid conservation, physicochemical variation, residue mobility, and thermodynamic stability) performed at Invitae indicates that this missense variant is expected to disrupt ATP7B protein function. ClinVar contains an entry for this variant (Variation ID: 553078). This missense change has been observed in individual(s) with Wilson disease (PMID: 9671269, 10502776, 17634212, 24798599, 26752957). In at least one individual the data is consistent with being in trans (on the opposite chromosome) from a pathogenic variant.

Counsyl
Classification: Likely pathogenic for Wilson disease. Last evaluated: 2017-08-02. Review status: no assertion criteria provided. Collection method: clinical testing. Allele origin: unknown. Not counted in ClinVar's aggregate classification.

Literature cited by the submitters: PubMed 12202071 (cited by Natera, Inc. and Counsyl); PubMed 39113473 (cited by Natera, Inc.); PubMed 9671269 (cited by Labcorp Genetics (formerly Invitae), Labcorp and Counsyl); PubMed 10502776 (cited by Labcorp Genetics (formerly Invitae), Labcorp); PubMed 17634212 (cited by Labcorp Genetics (formerly Invitae), Labcorp); PubMed 24798599 (cited by Labcorp Genetics (formerly Invitae), Labcorp); PubMed 26752957 (cited by Labcorp Genetics (formerly Invitae), Labcorp and Counsyl); PubMed 24253677 (cited by Counsyl); PubMed 22692182 (cited by Counsyl).

NM_000053.4(ATP7B):c.3436G>A (p.Val1146Met)

Gene: ATP7B (ATPase copper transporting beta; minus strand). Cytogenetic location: 13q14.3.
Variant type: single nucleotide variant.
Coding change: c.3436G>A on transcript NM_000053.4 (MANE Select); coding-DNA position 3436, G replaced by A.
Protein change: p.Val1146Met; replaces valine 1146 with methionine.
Molecular consequence: missense variant.
Genome position (GRCh38, 1-based): chr13:51,941,201, C>T on the plus strand (G>A on the coding strand, the complement: ATP7B is on the minus strand). VCF-style: chr13-51941201-C-T. GRCh37 (hg19) VCF-style: chr13-52515337-C-T.
Other names: c.2815G>A, p.Val939Met (NM_001005918.3); c.3103G>A, p.Val1035Met (NM_001243182.2); c.3202G>A, p.Val1068Met (NM_001330578.2); c.3184G>A, p.Val1062Met (NM_001330579.2); short protein forms V1146M, V1035M, V1062M, V1068M, V939M.
Identifiers: ClinVar variation 553078 (VCV000553078.10), dbSNP rs1213481140, ClinGen allele CA388026717.